The following is an entry in ClinVar:

NM_024652.6(LRRK1):c.4909A>T (p.Lys1637Ter)

Genes: LRRK1-AS1 (LRRK1 antisense RNA 1; minus strand), LRRK1 (leucine rich repeat kinase 1; plus strand). Cytogenetic location: 15q26.3.
Variant type: single nucleotide variant.
Coding change: c.4909A>T on transcript NM_024652.6 (MANE Select); coding-DNA position 4909, A replaced by T.
Protein change: p.Lys1637Ter; replaces lysine 1637 with a stop codon.
Molecular consequence: nonsense.
Genome position (GRCh38, 1-based): chr15:101,062,685, A>T. VCF-style: chr15-101062685-A-T. GRCh37 (hg19) VCF-style: chr15-101602890-A-T.
Other names: short protein forms K1637*.
Identifiers: ClinVar variation 1049253 (VCV001049253.1), dbSNP rs746379912, ClinGen allele CA393958326.

ClinVar aggregate classification (germline): Uncertain significance (0 of 4 stars; one submission).

gnomAD v4.1: 1 of 1,611,290 alleles (0.000062%); highest among the groups gnomAD compares: Non-Finnish European, 0.000085%; no homozygotes.

Submission:

Department of Pathology and Laboratory Medicine, Sinai Health System
Classification: Uncertain significance. Review status: no assertion criteria provided. Collection method: clinical testing. Allele origin: unknown. Affected: yes. Study: The Canadian Open Genetics Repository (COGR).
Comment: The LRRK1 p.Lys1637* variant was not identified in the literature, nor was it identified in the ClinVar, dbSNP, or LOVD 3.0 databases. The variant was not identified in the following control databases: the 1000 Genomes Project, the NHLBI GO Exome Sequencing Project, or the Genome Aggregation Database (March 6, 2019, v2.1.1). The p.Lys1637* variant leads to a premature stop codon at position 1637 which is predicted to lead to a truncated or absent protein and loss of function. In summary, the clinical significance of this variant cannot be determined with certainty at this time. This variant is classified as a variant of uncertain significance.